The following is an entry in ClinVar:

ClinVar aggregate classification (germline): Uncertain significance (1 of 4 stars; one submission).

Allele frequency attached by ClinVar (database versions not stated): ExAC 0.00003.
gnomAD v4.1: 15 of 1,613,186 alleles (0.00093%); highest among the groups gnomAD compares: South Asian, 0.0066%; no homozygotes.

Submission:

Labcorp Genetics (formerly Invitae), Labcorp
Classification: Uncertain significance. Last evaluated: 2022-03-13. Review status: criteria provided, single submitter. Criteria: Invitae Variant Classification Sherloc (09022015). Collection method: clinical testing. Allele origin: germline.
Comment: In summary, the available evidence is currently insufficient to determine the role of this variant in disease. Therefore, it has been classified as a Variant of Uncertain Significance. Algorithms developed to predict the effect of missense changes on protein structure and function (SIFT, PolyPhen-2, Align-GVGD) all suggest that this variant is likely to be disruptive. This variant has not been reported in the literature in individuals affected with PTH1R-related conditions. This variant is present in population databases (rs201620893, gnomAD 0.01%). This sequence change replaces arginine, which is basic and polar, with histidine, which is basic and polar, at codon 521 of the PTH1R protein (p.Arg521His).

NM_000316.3(PTH1R):c.1562G>A (p.Arg521His)

Gene: PTH1R (parathyroid hormone 1 receptor; plus strand). Cytogenetic location: 3p21.31.
Variant type: single nucleotide variant.
Coding change: c.1562G>A on transcript NM_000316.3 (MANE Select); coding-DNA position 1562, G replaced by A.
Protein change: p.Arg521His; replaces arginine 521 with histidine.
Molecular consequence: missense variant.
Genome position (GRCh38, 1-based): chr3:46,903,436, G>A. VCF-style: chr3-46903436-G-A. GRCh37 (hg19) VCF-style: chr3-46944926-G-A.
Other names: c.1562G>A, p.Arg521His (NM_001184744.1); short protein forms R521H.
Identifiers: ClinVar variation 2151195 (VCV002151195.4), dbSNP rs201620893, ClinGen allele CA2359584.
Genomic context (GRCh38, chr3:46,903,436, plus strand): 5'-CCCACACAAGTGTGACCAATGTCGGCCCCCGTGTGGGACTCGGCCTGCCCCTCAGCCCCC[G>A]CCTACTGCCCACTGCCACCACCAACGGCCACCCTCAGCTGCCTGGCCATGCCAAGCCAGG-3'
Protein context (NP_000307.1, residues 511-531): RVGLGLPLSP[Arg521His]LLPTATTNGH